The following is an entry in ClinVar:

ClinVar aggregate classification (germline): Uncertain significance (1 of 4 stars; one submission).

Allele frequency attached by ClinVar (database versions not stated): TOPMed 0.00002; ExAC 0.00003.
gnomAD v4.1: 19 of 1,611,600 alleles (0.0012%); highest among the groups gnomAD compares: Admixed American, 0.015%; no homozygotes.

Submission:

Labcorp Genetics (formerly Invitae), Labcorp
Classification: Uncertain significance. Last evaluated: 2022-07-01. Review status: criteria provided, single submitter. Criteria: Invitae Variant Classification Sherloc (09022015). Collection method: clinical testing. Allele origin: germline.
Comment: This sequence change replaces methionine, which is neutral and non-polar, with threonine, which is neutral and polar, at codon 266 of the SLC1A4 protein (p.Met266Thr). This variant is present in population databases (rs750202038, gnomAD 0.03%). This variant has not been reported in the literature in individuals affected with SLC1A4-related conditions. Algorithms developed to predict the effect of missense changes on protein structure and function (SIFT, PolyPhen-2, Align-GVGD) all suggest that this variant is likely to be disruptive. In summary, the available evidence is currently insufficient to determine the role of this variant in disease. Therefore, it has been classified as a Variant of Uncertain Significance.

NM_003038.5(SLC1A4):c.797T>C (p.Met266Thr)

Gene: SLC1A4 (solute carrier family 1 member 4; plus strand). Cytogenetic location: 2p14.
Variant type: single nucleotide variant.
Coding change: c.797T>C on transcript NM_003038.5 (MANE Select); coding-DNA position 797, T replaced by C.
Protein change: p.Met266Thr; replaces methionine 266 with threonine.
Molecular consequence: missense variant.
Genome position (GRCh38, 1-based): chr2:65,010,760, T>C. VCF-style: chr2-65010760-T-C. GRCh37 (hg19) VCF-style: chr2-65237894-T-C.
Other names: c.137T>C, p.Met46Thr (NM_001193493.2, NM_001348406.2, NM_001348407.2); short protein forms M266T, M46T.
Identifiers: ClinVar variation 2172169 (VCV002172169.1), dbSNP rs750202038, ClinGen allele CA1685974.
Genomic context (GRCh38, chr2:65,010,760, plus strand): 5'-ACCTCATCCGTTTCTTCAATTCCCTCAACGAGGCGACGATGGTGCTGGTGTCCTGGATTA[T>C]GTGGTGAGTGCTGCTTTGCTGCCTACTCTCTCTCTCCTTCCTCCTGCCATCCAGAAAAGA-3'
Protein context (NP_003029.2, residues 256-276): EATMVLVSWI[Met266Thr]WYVPVGIMFL